The following is an entry in ClinVar:

ClinVar aggregate classification (germline): Uncertain significance. Review status: criteria provided, multiple submitters, no conflicts (2 of 4 stars). 6 submissions from 6 submitters: Uncertain significance (6). Last evaluated 2025-10-20.

Conditions:
Cardiovascular phenotype. Identifiers: MedGen CN230736.
Cardiomyopathy (CMYO). Also called: Cardiomyopathies. Identifiers: Orphanet 167848, MedGen C0878544, MONDO:0004994, HP:0001638. Inheritance: Various modes of inheritance.
Arrhythmogenic right ventricular cardiomyopathy (ARVD). Also called: Cardiomyopathy, ARVC; Arrhythmogenic right ventricular dysplasia; Arrhythmogenic cardiomyopathy; Arrhythmogenic Right Ventricular Cardiomyopathy (ARVC). Identifiers: Orphanet 247, MedGen C0349788, MeSH D019571, MONDO:0016587. Disease mechanism: loss of function. Inheritance: Various modes of inheritance.
Arrhythmogenic right ventricular dysplasia 10. Also called: Arrhythmogenic right ventricular dysplasia/cardiomyopathy, type 10; Arrhythmogenic Right Ventricular Dysplasia/Cardiomyopathy10; ARRHYTHMOGENIC RIGHT VENTRICULAR DYSPLASIA, FAMILIAL, 10. Identifiers: MedGen C1857777, MONDO:0012434, OMIM 610193.

Allele frequency attached by ClinVar (database versions not stated): gnomAD exomes 0.00001; TOPMed 0.00001; ExAC 0.00003; ESP Exome Variant Server 0.00009.
gnomAD v4.1: 23 of 1,575,932 alleles (0.0015%); highest among the groups gnomAD compares: Non-Finnish European, 0.0017%; no homozygotes.

Submissions (6):

Labcorp Genetics (formerly Invitae), Labcorp
Classification: Uncertain significance for Arrhythmogenic right ventricular dysplasia 10. Last evaluated: 2025-10-20. Review status: criteria provided, single submitter. Criteria: Invitae Variant Classification Sherloc (09022015). Collection method: clinical testing. Allele origin: germline.
Comment: This sequence change replaces arginine, which is basic and polar, with serine, which is neutral and polar, at codon 427 of the DSG2 protein (p.Arg427Ser). This variant is present in population databases (rs370547219, gnomAD 0.003%). This variant has not been reported in the literature in individuals affected with DSG2-related conditions. ClinVar contains an entry for this variant (Variation ID: 419778). Invitae Evidence Modeling of protein sequence and biophysical properties (such as structural, functional, and spatial information, amino acid conservation, physicochemical variation, residue mobility, and thermodynamic stability) indicates that this missense variant is not expected to disrupt DSG2 protein function with a negative predictive value of 95%. In summary, the available evidence is currently insufficient to determine the role of this variant in disease. Therefore, it has been classified as a Variant of Uncertain Significance.

Molecular Genetics, Royal Melbourne Hospital
Classification: Uncertain significance for Arrhythmogenic right ventricular cardiomyopathy. Last evaluated: 2024-12-06. Review status: criteria provided, single submitter. Criteria: ACMG Guidelines, 2015. Collection method: clinical testing. Allele origin: germline. Inheritance: Autosomal dominant inheritance.
Comment: This sequence change in DSG2 is predicted to replace arginine with serine at codon 427, p.(Arg427Ser). This nucleotide position corresponds to the first coding base of exon 10. The arginine residue is weakly conserved (100 vertebrates, Multiz Alignments), and is located in the 4th extracellular cadherin domain. There is a large physicochemical difference between arginine and serine. The highest population minor allele frequency in the population database gnomAD v4.1 is 0.002% (20/1,149,772 alleles) in the European Non-Finnish population, which is consistent with dominant disease. ClinVar contains an entry for this variant (Variation ID: 419778). This variant has been reported in one proband with arrhythmogenic cardiomyopathy (PMID: 38691546). Computational evidence predicts a benign effect for the missense substitution (REVEL = 0.07). However, this variant is may activate a cryptic exonic acceptor site (SpliceAI = 0.27). RNA assays have not been conducted to confirm this prediction. Based on the classification scheme RMH Modified ACMG/AMP Guidelines v1.7.1, this variant is classified as a VARIANT OF UNCERTAIN SIGNIFICANCE. Following criteria are met: PM2_Supporting, PP3.

All of Us Research Program, National Institutes of Health
Classification: Uncertain significance for Arrhythmogenic right ventricular cardiomyopathy. Last evaluated: 2024-07-02. Review status: criteria provided, single submitter. Criteria: ACMG Guidelines, 2015. Collection method: clinical testing. Allele origin: germline. Inheritance: Autosomal dominant inheritance. Observed: 11 variant alleles, 11 heterozygotes.
Comment: This missense variant replaces arginine with serine at codon 427 of the DSG2 protein. Computational prediction suggests that this variant may not impact protein structure and function (internally defined REVEL score threshold <= 0.5, PMID: 27666373). Splice site prediction tools suggest that this variant may not impact RNA splicing. To our knowledge, functional studies have not been performed for this variant. This variant has not been reported in individuals affected with cardiovascular disorders in the literature. This variant has been identified in 2/236004 chromosomes in the general population by the Genome Aggregation Database (gnomAD). The available evidence is insufficient to determine the role of this variant in disease conclusively. Therefore, this variant is classified as a Variant of Uncertain Significance.

This study involves interpretation of variants in research participants for the purpose of population health screening. Participant phenotype was not available at the time of variant classification. Additional details can be found in publication PMID: 35346344, PMCID: PMC8962531

Color Diagnostics, LLC DBA Color Health
Classification: Uncertain significance for Cardiomyopathy. Last evaluated: 2024-04-16. Review status: criteria provided, single submitter. Criteria: ACMG Guidelines, 2015. Collection method: clinical testing. Allele origin: germline.
Comment: This missense variant replaces arginine with serine at codon 427 of the DSG2 protein. Computational prediction suggests that this variant may not impact protein structure and function. To our knowledge, functional studies have not been reported for this variant. This variant has not been reported in individuals affected with DSG2-related disorders in the literature. This variant has been identified in 2/236004 chromosomes in the general population by the Genome Aggregation Database (gnomAD). The available evidence is insufficient to determine the role of this variant in disease conclusively. Therefore, this variant is classified as a Variant of Uncertain Significance.

Ambry Genetics
Classification: Uncertain significance for Cardiovascular phenotype. Last evaluated: 2022-10-02. Review status: criteria provided, single submitter. Criteria: Ambry Variant Classification Scheme 2023. Collection method: clinical testing. Allele origin: germline.
Comment: The p.R427S variant (also known as c.1281A>T) is located in coding exon 10 of the DSG2 gene. The arginine at codon 427 is replaced by serine, an amino acid with dissimilar properties. This change occurs in the first base pair of coding exon 10. This amino acid position is conserved. In addition, this alteration is predicted to be tolerated by in silico analysis. Since supporting evidence is limited at this time, the clinical significance of this alteration remains unclear.

GeneDx
Classification: Uncertain significance. Last evaluated: 2020-09-02. Review status: criteria provided, single submitter. Criteria: GeneDx Variant Classification Process June 2021. Collection method: clinical testing. Allele origin: germline. Affected: yes.
Comment: Not observed at a significant frequency in large population cohorts (Lek et al., 2016); Has not been previously published as pathogenic or benign to our knowledge

Literature cited by the submitters: PubMed 38691546 (cited by Molecular Genetics, Royal Melbourne Hospital).

NM_001943.5(DSG2):c.1281A>T (p.Arg427Ser)

Gene: DSG2 (desmoglein 2; plus strand). Cytogenetic location: 18q12.1.
Variant type: single nucleotide variant.
Coding change: c.1281A>T on transcript NM_001943.5 (MANE Select); coding-DNA position 1281, A replaced by T.
Protein change: p.Arg427Ser; replaces arginine 427 with serine.
Molecular consequence: missense variant.
Genome position (GRCh38, 1-based): chr18:31,535,270, A>T. VCF-style: chr18-31535270-A-T. GRCh37 (hg19) VCF-style: chr18-29115233-A-T.
Other names: c.1281A>T (LRG_397t1); short protein forms R427S.
Identifiers: ClinVar variation 419778 (VCV000419778.23), dbSNP rs370547219, ClinGen allele CA041977.